The following is an entry in ClinVar:

NM_198880.3(QRICH1):c.1606C>T (p.Arg536Ter)

Gene: QRICH1 (glutamine rich 1; minus strand). Cytogenetic location: 3p21.31.
Variant type: single nucleotide variant.
Coding change: c.1606C>T on transcript NM_198880.3 (MANE Select); coding-DNA position 1606, C replaced by T.
Protein change: p.Arg536Ter; replaces arginine 536 with a stop codon.
Molecular consequence: nonsense.
Genome position (GRCh38, 1-based): chr3:49,046,490, G>A on the plus strand (C>T on the coding strand, the complement: QRICH1 is on the minus strand). VCF-style: chr3-49046490-G-A. GRCh37 (hg19) VCF-style: chr3-49083923-G-A.
Other names: c.1606C>T, p.Arg536Ter (NM_001320585.1, NM_001320580.2, NM_001320581.2 and 4 more transcripts); short protein forms R536*.
Identifiers: ClinVar variation 620666 (VCV000620666.11), dbSNP rs1559930732, ClinGen allele CA352759068.

ClinVar aggregate classification (germline): Pathogenic. Review status: criteria provided, multiple submitters, no conflicts (2 of 4 stars). 5 submissions from 5 submitters: Pathogenic (4). 1 of the submissions does not count toward it. Last evaluated 2025-08-14.

Conditions:
Ververi-Brady syndrome. Identifiers: MedGen C4693824, MONDO:0979877, MONDO:0060707.

Submissions (5):

GeneDx
Classification: Pathogenic. Last evaluated: 2025-08-14. Review status: criteria provided, single submitter. Criteria: GeneDx Variant Classification Process June 2021. Collection method: clinical testing. Allele origin: germline. Affected: yes.
Comment: Published functional studies demonstrate a damaging effect: impaired expression of the QRICH1 protein (PMID: 30281152); Nonsense variant predicted to result in protein truncation or nonsense mediated decay in a gene for which loss of function is a known mechanism of disease; Not observed at significant frequency in large population cohorts (gnomAD); This variant is associated with the following publications: (PMID: 33009816, 30281152, 37331002, 34859529)

Baylor Genetics
Classification: Pathogenic for Ververi-Brady syndrome 1. Last evaluated: 2023-12-05. Review status: criteria provided, single submitter. Criteria: ACMG Guidelines, 2015. Collection method: clinical testing. Allele origin: unknown.

Greenwood Genetic Center Diagnostic Laboratories, Greenwood Genetic Center
Classification: Pathogenic for Ververi-Brady syndrome 1. Last evaluated: 2022-06-10. Review status: criteria provided, single submitter. Criteria: ACMG Guidelines, 2015. Collection method: clinical testing. Allele origin: germline. Affected: yes.
Comment: PVS1, PS2, PS4_Supporting, PM2

Institute of Human Genetics, University of Leipzig Medical Center
Classification: Pathogenic for Ververi-Brady syndrome 1. Last evaluated: 2021-12-21. Review status: criteria provided, single submitter. Criteria: ACMG Guidelines, 2015. Collection method: research. Allele origin: de novo. Affected: yes.

OMIM
Classification: Pathogenic for VERVERI-BRADY SYNDROME 1. Last evaluated: 2025-08-29. Review status: no assertion criteria provided. Collection method: literature only. Allele origin: germline. Not counted in ClinVar's aggregate classification.

Literature cited by the submitters: PubMed 34859529 (cited by Institute of Human Genetics, University of Leipzig Medical Center); PubMed 30281152 (cited by OMIM).